The following is an entry in ClinVar:

ClinVar aggregate classification (germline): Uncertain significance (1 of 4 stars; one submission).

Conditions:
Fanconi anemia complementation group O. Also called: RAD51C-Related Fanconi Anemia. Identifiers: Orphanet 84, MedGen C3150653, MONDO:0013248, OMIM 613390.

Submission:

Labcorp Genetics (formerly Invitae), Labcorp
Classification: Uncertain significance for Fanconi anemia complementation group O. Last evaluated: 2020-06-16. Review status: criteria provided, single submitter. Criteria: Invitae Variant Classification Sherloc (09022015). Collection method: clinical testing. Allele origin: germline.
Comment: In summary, the available evidence is currently insufficient to determine the role of this variant in disease. Therefore, it has been classified as a Variant of Uncertain Significance. This variant is not present in population databases (ExAC no frequency). This sequence change replaces histidine with glutamine at codon 192 of the RAD51C protein (p.His192Gln). The histidine residue is weakly conserved and there is a small physicochemical difference between histidine and glutamine. This variant has not been reported in the literature in individuals with RAD51C-related conditions. Algorithms developed to predict the effect of missense changes on protein structure and function output the following: SIFT: "Tolerated"; PolyPhen-2: "Benign"; Align-GVGD: "Class C0". The glutamine amino acid residue is found in multiple mammalian species, suggesting that this missense change does not adversely affect protein function. These predictions have not been confirmed by published functional studies and their clinical significance is uncertain.

NM_058216.3(RAD51C):c.576C>A (p.His192Gln)

Gene: RAD51C (RAD51 paralog C; plus strand). Cytogenetic location: 17q22.
Variant type: single nucleotide variant.
Coding change: c.576C>A on transcript NM_058216.3 (MANE Select); coding-DNA position 576, C replaced by A.
Protein change: p.His192Gln; replaces histidine 192 with glutamine.
Molecular consequence: missense variant. On other transcripts: non-coding transcript variant (1).
Genome position (GRCh38, 1-based): chr17:58,703,200, C>A. VCF-style: chr17-58703200-C-A. GRCh37 (hg19) VCF-style: chr17-56780561-C-A.
Other names: short protein forms H192Q.
Identifiers: ClinVar variation 1064380 (VCV001064380.9), dbSNP rs2143796505, ClinGen allele CA400349034.